The following is an entry in ClinVar:

ClinVar aggregate classification (germline): Likely benign (1 of 4 stars; one submission).

Allele frequency attached by ClinVar (database versions not stated): ExAC 0.00014; 1000 Genomes Project 30x 0.00016; 1000 Genomes Project 0.00020.
gnomAD v4.1: 80 of 1,609,084 alleles (0.005%); highest among the groups gnomAD compares: South Asian, 0.077%; 1 homozygote.

Submission:

CeGaT Center for Human Genetics Tuebingen
Classification: Likely benign. Last evaluated: 2022-03-01. Review status: criteria provided, single submitter. Criteria: CeGaT Center For Human Genetics Tuebingen Variant Classification Criteria Version 2. Collection method: clinical testing. Allele origin: germline. Affected: yes. Observed: 1 variant allele.
Comment: FERRY3: BP4, BP7

NM_020374.4(FERRY3):c.303A>C (p.Thr101=)

Gene: FERRY3 (FERRY endosomal RAB5 effector complex subunit 3; minus strand). Cytogenetic location: 12p13.32.
Variant type: single nucleotide variant.
Coding change: c.303A>C on transcript NM_020374.4 (MANE Select); coding-DNA position 303, A replaced by C.
Protein change: p.Thr101=; no amino-acid change (threonine 101 retained).
Molecular consequence: synonymous variant. On other transcripts: 5 prime UTR variant (3), non-coding transcript variant (3).
Genome position (GRCh38, 1-based): chr12:4,534,178, T>G on the plus strand (A>C on the coding strand, the complement: FERRY3 is on the minus strand). VCF-style: chr12-4534178-T-G. GRCh37 (hg19) VCF-style: chr12-4643344-T-G.
Other names: c.303A>C, p.Thr101= (NM_001304811.2, NM_001346153.2, NM_001346155.2); c.-217A>C (NM_001346156.2, NM_001346157.2); c.-443A>C (NM_001352962.2).
Identifiers: ClinVar variation 2642591 (VCV002642591.24), dbSNP rs565936413, ClinGen allele CA6396382.